The following is an entry in ClinVar:

NM_000059.4(BRCA2):c.1647G>A (p.Lys549=)

Gene: BRCA2 (BRCA2 DNA repair associated; plus strand). Cytogenetic location: 13q13.1.
Variant type: single nucleotide variant.
Coding change: c.1647G>A on transcript NM_000059.4 (MANE Select); coding-DNA position 1647, G replaced by A.
Protein change: p.Lys549=; no amino-acid change (lysine 549 retained).
Molecular consequence: synonymous variant.
Genome position (GRCh38, 1-based): chr13:32,333,125, G>A. VCF-style: chr13-32333125-G-A. GRCh37 (hg19) VCF-style: chr13-32907262-G-A.
Other names: K549K.
Identifiers: ClinVar variation 51166 (VCV000051166.22), dbSNP rs276174812, ClinGen allele CA012770.

ClinVar aggregate classification (germline): Likely benign. Review status: reviewed by expert panel (3 of 4 stars). 7 submissions from 7 submitters: Likely benign (1). 6 of the submissions do not count toward it. Last evaluated 2017-06-29.

Conditions:
Hereditary cancer-predisposing syndrome. Also called: Neoplastic Syndromes, Hereditary; Tumor predisposition; Hereditary Cancer Syndrome; Hereditary neoplastic syndrome. Identifiers: Orphanet 140162, MedGen C0027672, MeSH D009386, MONDO:0015356.
Hereditary breast ovarian cancer syndrome. Also called: Hereditary breast and ovarian cancer syndrome; Hereditary breast and ovarian cancer; Hereditary breast and ovarian cancer syndrome (HBOC); Breast and ovarian cancer; Hereditary breast and/or ovarian cancer syndrome; BRCA1- and BRCA2-Associated Hereditary Breast and Ovarian Cancer. Identifiers: Orphanet 145, MedGen C0677776, MeSH D061325, MONDO:0003582. Disease mechanism: loss of function.
Breast-ovarian cancer, familial, susceptibility to, 2 (BROVCA2). Also called: BRCA2 Hereditary Breast and Ovarian Cancer. Identifiers: Orphanet 145, MedGen C2675520, MONDO:0012933, OMIM 612555. Disease mechanism: loss of function.

Allele frequency attached by ClinVar (database versions not stated): TOPMed below 0.00001; ExAC 0.00001; gnomAD 0.00001; gnomAD exomes 0.00001 and 0.00002.
gnomAD v4.1: 9 of 1,613,950 alleles (0.00056%); highest among the groups gnomAD compares: East Asian, 0.02%; no homozygotes.

Submissions (7):

Evidence-based Network for the Interpretation of Germline Mutant Alleles (ENIGMA)
Classification: Likely benign for Breast-ovarian cancer, familial, susceptibility to, 2. Last evaluated: 2017-06-29. Review status: reviewed by expert panel. Criteria: ENIGMA BRCA1/2 Classification Criteria (2017-06-29). Collection method: curation. Allele origin: germline.
Comment: Synonymous substitution variant, with low bioinformatic likelihood to result in a splicing aberration (Splicing prior probability 0.02).

Labcorp Genetics (formerly Invitae), Labcorp
Classification: Likely benign for Hereditary breast ovarian cancer syndrome. Last evaluated: 2025-09-15. Review status: criteria provided, single submitter. Criteria: Invitae Variant Classification Sherloc (09022015). Collection method: clinical testing. Allele origin: germline. Not counted in ClinVar's aggregate classification.

Quest Diagnostics Nichols Institute San Juan Capistrano
Classification: Likely benign. Last evaluated: 2021-07-01. Review status: criteria provided, single submitter. Criteria: Quest Diagnostics criteria. Collection method: clinical testing. Allele origin: unknown. Not counted in ClinVar's aggregate classification.

GeneDx
Classification: Likely benign. Last evaluated: 2020-10-18. Review status: criteria provided, single submitter. Criteria: GeneDx Variant Classification Process June 2021. Collection method: clinical testing. Allele origin: germline. Affected: yes. Not counted in ClinVar's aggregate classification.
Comment: This variant is associated with the following publications: (PMID: 18627636)

Color Diagnostics, LLC DBA Color Health
Classification: Likely benign for Hereditary cancer-predisposing syndrome. Last evaluated: 2016-07-22. Review status: criteria provided, single submitter. Criteria: ACMG Guidelines, 2015. Collection method: clinical testing. Allele origin: germline. Not counted in ClinVar's aggregate classification.

Ambry Genetics
Classification: Likely benign for Hereditary cancer-predisposing syndrome. Last evaluated: 2015-07-24. Review status: criteria provided, single submitter. Criteria: Ambry Variant Classification Scheme 2023. Collection method: clinical testing. Allele origin: germline. Not counted in ClinVar's aggregate classification.

Breast Cancer Information Core (BIC) (BRCA2)
Classification: Benign for Breast-ovarian cancer, familial 2. Last evaluated: 2010-09-18. Review status: no assertion criteria provided. Collection method: clinical testing. Allele origin: germline. Affected: yes. Observed: 1 variant allele. Not counted in ClinVar's aggregate classification.

Literature cited by the submitters: PubMed 30287823 (cited by Quest Diagnostics Nichols Institute San Juan Capistrano); PubMed 18627636 (cited by Quest Diagnostics Nichols Institute San Juan Capistrano).